The following is an entry in ClinVar:

NM_001605.3(AARS1):c.2562C>G (p.Asn854Lys)

Gene: AARS1 (alanyl-tRNA synthetase 1; minus strand). Cytogenetic location: 16q22.1.
Variant type: single nucleotide variant.
Coding change: c.2562C>G on transcript NM_001605.3 (MANE Select); coding-DNA position 2562, C replaced by G.
Protein change: p.Asn854Lys; replaces asparagine 854 with lysine.
Molecular consequence: missense variant.
Genome position (GRCh38, 1-based): chr16:70,253,759, G>C on the plus strand (C>G on the coding strand, the complement: AARS1 is on the minus strand). VCF-style: chr16-70253759-G-C. GRCh37 (hg19) VCF-style: chr16-70287662-G-C.
Other names: short protein forms N854K.
Identifiers: ClinVar variation 640468 (VCV000640468.8), dbSNP rs1260237711, ClinGen allele CA396554949.
Genomic context (GRCh38, chr16:70,253,759, plus strand): 5'-TGGCCCCTGGGTTGCCTTGGCTGAGGCGCCGCTCTCCATCTCCAGGATGACAAGAGGCTG[G>C]TTGGGGTTGCTGTCGATGAACTGCTTCGTCTTCTCTAACACCTGCAAGAAAAAAGTCCAG-3'
Protein context (NP_001596.2, residues 844-864): KTKQFIDSNP[Asn854Lys]QPLVILEMES

ClinVar aggregate classification (germline): Uncertain significance (1 of 4 stars; one submission).

Conditions:
Charcot-Marie-Tooth disease type 2. Also called: Charcot-Marie-Tooth type 2. Identifiers: Orphanet 64746, MedGen C0270914, MONDO:0018993.

Allele frequency attached by ClinVar (database versions not stated): gnomAD 0.00001; TOPMed 0.00001; gnomAD exomes 0.00001.
gnomAD v4.1: 37 of 1,614,076 alleles (0.0023%); highest among the groups gnomAD compares: Non-Finnish European, 0.0031%; no homozygotes.

Submission:

Labcorp Genetics (formerly Invitae), Labcorp
Classification: Uncertain significance for Charcot-Marie-Tooth disease type 2. Last evaluated: 2024-02-09. Review status: criteria provided, single submitter. Criteria: Invitae Variant Classification Sherloc (09022015). Collection method: clinical testing. Allele origin: germline.
Comment: This sequence change replaces asparagine, which is neutral and polar, with lysine, which is basic and polar, at codon 854 of the AARS protein (p.Asn854Lys). This variant is present in population databases (no rsID available, gnomAD 0.003%). This variant has not been reported in the literature in individuals affected with AARS-related conditions. ClinVar contains an entry for this variant (Variation ID: 640468). Advanced modeling of protein sequence and biophysical properties (such as structural, functional, and spatial information, amino acid conservation, physicochemical variation, residue mobility, and thermodynamic stability) performed at Invitae indicates that this missense variant is not expected to disrupt AARS protein function with a negative predictive value of 95%. In summary, the available evidence is currently insufficient to determine the role of this variant in disease. Therefore, it has been classified as a Variant of Uncertain Significance.